The following is an entry in ClinVar:

ClinVar aggregate classification (germline): Uncertain significance (1 of 4 stars; one submission).

gnomAD v4.1: 1 of 1,518,648 alleles (0.000066%); highest among the groups gnomAD compares: African/African-American, 0.0014%; no homozygotes.

Submission:

Labcorp Genetics (formerly Invitae), Labcorp
Classification: Uncertain significance. Last evaluated: 2023-02-21. Review status: criteria provided, single submitter. Criteria: Invitae Variant Classification Sherloc (09022015). Collection method: clinical testing. Allele origin: germline.
Comment: In summary, the available evidence is currently insufficient to determine the role of this variant in disease. Therefore, it has been classified as a Variant of Uncertain Significance. Advanced modeling of protein sequence and biophysical properties (such as structural, functional, and spatial information, amino acid conservation, physicochemical variation, residue mobility, and thermodynamic stability) performed at Invitae indicates that this missense variant is not expected to disrupt CARMIL2 protein function. This variant has not been reported in the literature in individuals affected with CARMIL2-related conditions. The frequency data for this variant in the population databases is considered unreliable, as metrics indicate poor data quality at this position in the gnomAD database. This sequence change replaces alanine, which is neutral and non-polar, with serine, which is neutral and polar, at codon 453 of the CARMIL2 protein (p.Ala453Ser).

NM_001013838.3(CARMIL2):c.1357G>T (p.Ala453Ser)

Gene: CARMIL2 (capping protein regulator and myosin 1 linker 2; plus strand). Cytogenetic location: 16q22.1.
Variant type: single nucleotide variant.
Coding change: c.1357G>T on transcript NM_001013838.3 (MANE Select); coding-DNA position 1357, G replaced by T.
Protein change: p.Ala453Ser; replaces alanine 453 with serine.
Molecular consequence: missense variant.
Genome position (GRCh38, 1-based): chr16:67,648,420, G>T. VCF-style: chr16-67648420-G-T. GRCh37 (hg19) VCF-style: chr16-67682323-G-T.
Other names: c.1249G>T, p.Ala417Ser (NM_001317026.3); short protein forms A417S, A453S.
Identifiers: ClinVar variation 2970401 (VCV002970401.3), dbSNP rs766801229, ClinGen allele CA396336432.